The following is an entry in ClinVar:

ClinVar aggregate classification (germline): Uncertain significance. Review status: criteria provided, single submitter (1 of 4 stars). 2 submissions from 2 submitters: Uncertain significance (1). 1 of the submissions does not count toward it. Last evaluated 2025-07-17.

Conditions:
Cholestanol storage disease (CTX). Also called: CTX: Cerebrotendinous xanthomatosis; CEREBRAL CHOLESTERINOSIS; Cerebrotendinous Xanthomatosis. Identifiers: Orphanet 909, MedGen C0238052, MONDO:0008948, OMIM 213700.

Submissions (2):

Women's Health and Genetics/Laboratory Corporation of America, LabCorp
Classification: Uncertain significance. Last evaluated: 2025-07-17. Review status: criteria provided, single submitter. Criteria: LabCorp Variant Classification Summary - May 2015. Collection method: clinical testing. Allele origin: germline.
Comment: Variant summary: CYP27A1 c.1174G>A (p.Glu392Lys) results in a conservative amino acid change in the encoded protein sequence. Algorithms developed to predict the effect of missense changes on protein structure and function are either unavailable or do not agree on the potential impact of this missense change. The variant was absent in 251350 control chromosomes (gnomAD). c.1174G>A has been observed in individuals affected with Cerebrotendinous Xanthomatosis (Zhang_2016, Zhang_2020, Zaccai_2024). These data indicate that the variant may be associated with disease. To our knowledge, no experimental evidence demonstrating an impact on protein function has been reported. A different missense affecting the same amino acid (E392A) is reported in an affected individual (PMID: 19373932), suggesting that this residue is functionally important. The following publications have been ascertained in the context of this evaluation (PMID: 27455001, 33313117, 38288684). ClinVar contains an entry for this variant (Variation ID: 554045). Based on the evidence outlined above, the variant was classified as VUS-possibly pathogenic.

Counsyl
Classification: Uncertain significance for Cholestanol storage disease. Last evaluated: 2017-10-06. Review status: no assertion criteria provided. Collection method: clinical testing. Allele origin: unknown. Not counted in ClinVar's aggregate classification.

Literature cited by the submitters: PubMed 33313117 (cited by Women's Health and Genetics/Laboratory Corporation of America, LabCorp); PubMed 38288684 (cited by Women's Health and Genetics/Laboratory Corporation of America, LabCorp); PubMed 27455001 (cited by Women's Health and Genetics/Laboratory Corporation of America, LabCorp); PubMed 28623566 (cited by Counsyl).

NM_000784.4(CYP27A1):c.1174G>A (p.Glu392Lys)

Gene: CYP27A1 (cytochrome P450 family 27 subfamily A member 1; plus strand). Cytogenetic location: 2q35.
Variant type: single nucleotide variant.
Coding change: c.1174G>A on transcript NM_000784.4 (MANE Select); coding-DNA position 1174, G replaced by A.
Protein change: p.Glu392Lys; replaces glutamic acid 392 with lysine.
Molecular consequence: missense variant.
Genome position (GRCh38, 1-based): chr2:218,814,177, G>A. VCF-style: chr2-218814177-G-A. GRCh37 (hg19) VCF-style: chr2-219678900-G-A.
Other names: short protein forms E392K.
Identifiers: ClinVar variation 554045 (VCV000554045.4), dbSNP rs1553616443, ClinGen allele CA350592697.